The following is an entry in ClinVar:

NM_005188.4(CBL):c.2111C>T (p.Ser704Phe)

Gene: CBL (Cbl proto-oncogene; plus strand). Cytogenetic location: 11q23.3.
Variant type: single nucleotide variant.
Coding change: c.2111C>T on transcript NM_005188.4 (MANE Select); coding-DNA position 2111, C replaced by T.
Protein change: p.Ser704Phe; replaces serine 704 with phenylalanine.
Molecular consequence: missense variant.
Genome position (GRCh38, 1-based): chr11:119,296,992, C>T. VCF-style: chr11-119296992-C-T. GRCh37 (hg19) VCF-style: chr11-119167702-C-T.
Other names: short protein forms S704F.
Identifiers: ClinVar variation 2442764 (VCV002442764.4), dbSNP rs2496971117, ClinGen allele CA382927127.

ClinVar aggregate classification (germline): Uncertain significance. Review status: criteria provided, multiple submitters, no conflicts (2 of 4 stars). 3 submissions from 3 submitters: Uncertain significance (3). Last evaluated 2026-05-24.

Conditions:
Cardiovascular phenotype. Identifiers: MedGen CN230736.
RASopathy. Also called: Noonan spectrum disorder; rasopathies. Identifiers: Orphanet 536391, MedGen C5555857, MONDO:0021060.

Submissions (3):

Ambry Genetics
Classification: Uncertain significance for Cardiovascular phenotype. Last evaluated: 2026-05-24. Review status: criteria provided, single submitter. Criteria: Ambry Variant Classification Scheme 2023. Collection method: clinical testing. Allele origin: germline.
Comment: The p.S704F variant (also known as c.2111C>T), located in coding exon 13 of the CBL gene, results from a C to T substitution at nucleotide position 2111. The serine at codon 704 is replaced by phenylalanine, an amino acid with highly dissimilar properties. This amino acid position is conserved. In addition, the in silico prediction for this alteration is inconclusive. Based on the available evidence, the clinical significance of this variant remains unclear.

Labcorp Genetics (formerly Invitae), Labcorp
Classification: Uncertain significance for RASopathy. Last evaluated: 2025-01-24. Review status: criteria provided, single submitter. Criteria: Invitae Variant Classification Sherloc (09022015). Collection method: clinical testing. Allele origin: germline.
Comment: This sequence change replaces serine, which is neutral and polar, with phenylalanine, which is neutral and non-polar, at codon 704 of the CBL protein (p.Ser704Phe). This variant is not present in population databases (gnomAD no frequency). This variant has not been reported in the literature in individuals affected with CBL-related conditions. ClinVar contains an entry for this variant (Variation ID: 2442764). Invitae Evidence Modeling of protein sequence and biophysical properties (such as structural, functional, and spatial information, amino acid conservation, physicochemical variation, residue mobility, and thermodynamic stability) indicates that this missense variant is not expected to disrupt CBL protein function with a negative predictive value of 95%. In summary, the available evidence is currently insufficient to determine the role of this variant in disease. Therefore, it has been classified as a Variant of Uncertain Significance.

GeneDx
Classification: Uncertain significance. Last evaluated: 2022-08-29. Review status: criteria provided, single submitter. Criteria: GeneDx Variant Classification Process June 2021. Collection method: clinical testing. Allele origin: germline. Affected: yes.
Comment: Not observed at significant frequency in large population cohorts (gnomAD); In silico analysis supports that this missense variant does not alter protein structure/function; Has not been previously published as pathogenic or benign to our knowledge